The following is an entry in ClinVar:

NM_001276345.2(TNNT2):c.616C>T (p.Arg206Trp)

Gene: TNNT2 (troponin T2, cardiac type; minus strand). Cytogenetic location: 1q32.1.
Variant type: single nucleotide variant.
Coding change: c.616C>T on transcript NM_001276345.2 (MANE Select); coding-DNA position 616, C replaced by T.
Protein change: p.Arg206Trp; replaces arginine 206 with tryptophan.
Molecular consequence: missense variant.
Genome position (GRCh38, 1-based): chr1:201,362,016, G>A on the plus strand (C>T on the coding strand, the complement: TNNT2 is on the minus strand). VCF-style: chr1-201362016-G-A. GRCh37 (hg19) VCF-style: chr1-201331144-G-A.
Other names: c.607C>T, p.Arg203Trp (NM_000364.4); c.586C>T, p.Arg196Trp (NM_001001430.3, NM_001276347.2); c.577C>T, p.Arg193Trp (NM_001001431.3); c.568C>T, p.Arg190Trp (NM_001001432.3); c.487C>T, p.Arg163Trp (NM_001276346.2); c.607C>T (NM_000364.3); short protein forms R196W, R203W, R206W, R193W, R190W, R163W.
Identifiers: ClinVar variation 181625 (VCV000181625.15), dbSNP rs730881106, ClinGen allele CA004832.

ClinVar aggregate classification (germline): Conflicting classifications of pathogenicity. Review status: criteria provided, conflicting classifications (1 of 4 stars). 6 submissions from 6 submitters: Pathogenic (1); Likely pathogenic (2); Uncertain significance (3). Last evaluated 2026-01-21.

Conditions:
Cardiovascular phenotype. Identifiers: MedGen CN230736.
Hypertrophic cardiomyopathy 2. Also called: TNNT2-Related Familial Hypertrophic Cardiomyopathy. Identifiers: MedGen C1861864, MONDO:0007266, OMIM 115195.
Dilated cardiomyopathy 1D. Identifiers: Orphanet 154, Orphanet 54260, MedGen C1832243, MONDO:0011095, OMIM 601494.
Cardiomyopathy, familial restrictive, 3. Identifiers: Orphanet 75249, MedGen C2676271, MONDO:0012900, OMIM 612422.
Cardiomyopathy (CMYO). Also called: Cardiomyopathies. Identifiers: Orphanet 167848, MedGen C0878544, MONDO:0004994, HP:0001638. Inheritance: Various modes of inheritance.
Primary dilated cardiomyopathy (DCM). Also called: Dilated Cardiomyopathy. Identifiers: Orphanet 217604, MedGen C0007193, MeSH D002311, MONDO:0005021, HP:0001644. Inheritance: Various modes of inheritance.

gnomAD v4.1: 3 of 1,614,024 alleles (0.00019%); highest among the groups gnomAD compares: Non-Finnish European, 0.00017%; no homozygotes.

Submissions (6):

Labcorp Genetics (formerly Invitae), Labcorp
Classification: Pathogenic for Cardiomyopathy, familial restrictive, 3; Hypertrophic cardiomyopathy 2; Dilated cardiomyopathy 1D. Last evaluated: 2026-01-21. Review status: criteria provided, single submitter. Criteria: Invitae Variant Classification Sherloc (09022015). Collection method: clinical testing. Allele origin: germline.
Comment: This sequence change replaces arginine, which is basic and polar, with tryptophan, which is neutral and slightly polar, at codon 196 of the TNNT2 protein (p.Arg196Trp). This variant is not present in population databases (gnomAD no frequency). This missense change has been observed in individual(s) with dilated cardiomyopathy (PMID: 26899768, 31514951). It has also been observed to segregate with disease in related individuals. ClinVar contains an entry for this variant (Variation ID: 181625). Invitae Evidence Modeling of protein sequence and biophysical properties (such as structural, functional, and spatial information, amino acid conservation, physicochemical variation, residue mobility, and thermodynamic stability) indicates that this missense variant is not expected to disrupt TNNT2 protein function with a negative predictive value of 80%. For these reasons, this variant has been classified as Pathogenic.

Color Diagnostics, LLC DBA Color Health
Classification: Uncertain significance for Cardiomyopathy. Last evaluated: 2025-08-26. Review status: criteria provided, single submitter. Criteria: ACMG Guidelines, 2015. Collection method: clinical testing. Allele origin: germline.
Comment: This missense variant replaces arginine with tryptophan at codon 196 of the TNNT2 protein. Computational prediction is inconclusive regarding the impact of this variant on protein structure and function. To our knowledge, functional studies have not been reported for this variant. This variant has been reported in at least 5 individuals affected with dilated cardiomyopathy (PMID: 26899768, 29892087, 31514951, 31983221). It has been shown that this variant segregates with disease in 2 individuals affected with dilated cardiomyopathy from one family (PMID: 26899768). This variant has not been identified in the general population by the Genome Aggregation Database (gnomAD). The available evidence is insufficient to determine the role of this variant in disease conclusively. Therefore, this variant is classified as a Variant of Uncertain Significance.

Molecular Genetics, Royal Melbourne Hospital
Classification: Likely pathogenic for Primary dilated cardiomyopathy. Last evaluated: 2024-09-08. Review status: criteria provided, single submitter. Criteria: ACMG Guidelines, 2015. Collection method: clinical testing. Allele origin: germline. Inheritance: Autosomal dominant inheritance. Affected: yes.
Comment: This sequence change in TNNT2 is predicted to replace arginine with tryptophan at codon 206, p.(Arg206Trp). The arginine residue is located in a basic and acid residue biased region. There is a large physicochemical difference between arginine and tryptophan. The highest population minor allele frequency in the population database gnomAD v4.1 is 0.0002% (2/1,179,978 alleles) in the European (non-Finnish) population, consistent with TNNT2-related cardiomyopathy. The variant has been detected in multiple individuals with dilated cardiomyopathy (DCM) or arrhythmogenic cardiomyopathy and segregates with DCM over three generations in a large family (PMID: 26899768, 31514951, 36008935, 37652022; ClinVar: SCV002768057.1). The prevalence of the variant in individuals with dilated cardiomyopathy is significantly increased compared with the prevalence in the population (2 in 2,990 case genotypes vs 2 in 589,989 control genotypes gives an odds ratio of 197.45, 95%CI=27.8-1402.19; PMID: 31514951, 37652022). Computational evidence is uninformative for the missense substitution (REVEL = 0.59) and predicts no impact on splicing (SpliceAI) for the nucleotide change. The variant has conflicting classifications of pathogenicity (ClinVar ID: 420105). Based on the classification scheme RMH Modified ACMG/AMP Guidelines v1.7.0, this variant is classified as LIKELY PATHOGENIC. Following criteria are met: PS4, PP1_Strong, PM2_Supporting.

Ambry Genetics
Classification: Uncertain significance for Cardiovascular phenotype. Last evaluated: 2023-10-03. Review status: criteria provided, single submitter. Criteria: Ambry Variant Classification Scheme 2023. Collection method: clinical testing. Allele origin: germline.
Comment: The p.R196W variant (also known as c.586C>T), located in coding exon 12 of the TNNT2 gene, results from a C to T substitution at nucleotide position 586. The arginine at codon 196 is replaced by tryptophan, an amino acid with dissimilar properties. This alteration has been reported in dilated cardiomyopathy (DCM) cohorts, including segregating with disease in one family (Cuenca S et al. J Heart Lung Transplant, 2016 05;35:625-35; Gigli M et al. J Am Coll Cardiol, 2019 09;74:1480-1490; Horvat C et al. Genet Med, 2019 01;21:133-143; Mazzarotto F et al. Circulation, 2020 02;141:387-398). This amino acid position is not well conserved in available vertebrate species. In addition, the in silico prediction for this alteration is inconclusive. Since supporting evidence is limited at this time, the clinical significance of this alteration remains unclear.

All of Us Research Program, National Institutes of Health
Classification: Uncertain significance for Cardiomyopathy. Last evaluated: 2023-05-16. Review status: criteria provided, single submitter. Criteria: ACMG Guidelines, 2015. Collection method: clinical testing. Allele origin: germline. Inheritance: Autosomal dominant inheritance. Observed: 2 variant alleles, 2 heterozygotes.
Comment: This missense variant replaces arginine with tryptophan at codon 196 of the TNNT2 protein. Computational prediction is inconclusive regarding the impact of this variant on protein structure and function (internally defined REVEL score threshold 0.5 < inconclusive < 0.7, PMID: 27666373). To our knowledge, functional studies have not been reported for this variant. This variant has been reported in at least 5 individuals affected with dilated cardiomyopathy (PMID: 26899768, 29892087, 31514951, 31983221). It has been shown that this variant segregates with disease in 2 additional individuals affected with dilated cardiomyopathy from one family (PMID: 26899768). This variant has not been identified in the general population by the Genome Aggregation Database (gnomAD). The available evidence is insufficient to determine the role of this variant in disease conclusively. Therefore, this variant is classified as a Variant of Uncertain Significance.

This study involves interpretation of variants in research participants for the purpose of population health screening. Participant phenotype was not available at the time of variant classification. Additional details can be found in publication PMID: 35346344, PMCID: PMC8962531

Victorian Clinical Genetics Services, Murdoch Childrens Research Institute
Classification: Likely pathogenic for Dilated cardiomyopathy 1D. Last evaluated: 2021-05-06. Review status: criteria provided, single submitter. Criteria: ACMG Guidelines, 2015. Collection method: clinical testing. Allele origin: germline. Inheritance: Autosomal dominant inheritance. Affected: yes.
Comment: Based on the classification scheme VCGS_Germline_v1.3.4, this variant is classified as a Likely pathogenic. Following criteria are met: 0105 - The mechanism of disease for this gene is not clearly established. Functional studies have suggested loss-of-function, gain-of-function and dominant-negative mechanisms based on calcium sensitivity, contractibility and mouse models (PMID: 18612386, 32098556, 33025817, ClinGen). (I) 0107 - This gene is associated with autosomal dominant disease. (I) 0200 - Variant is predicted to result in a missense amino acid change from arginine to tryptophan. (I) 0251 - This variant is heterozygous. (I) 0301 - Variant is absent from gnomAD (both v2 and v3). (SP) 0309 - An alternative amino acid change at the same position has been observed in gnomAD (v2) (3 heterozygotes, 0 homozygotes). (I) 0501 - Missense variant consistently predicted to be damaging by multiple in silico tools or highly conserved with a major amino acid change. (SP) 0600 - Variant is located in the annotated troponin domain (NCBI). (I) 0708 - Another missense variant comparable to the one identified in this case has conflicting previous evidence for pathogenicity. This alternative change (p.Arg203Gln) has been reported as a VUS (ClinVar), but also as likely pathogenic in an individual with DCM (PMID: 31514951). (I) 0801 - This variant has strong previous evidence of pathogenicity in unrelated individuals. This variant has been previously reported as pathogenic (ClinVar), and observed in four unrelated families with dilated cardiomyopathy (DCM) (VCGS, PMID: 26899768, PMID: 29892087, PMID: 31514951). (SP) 0906 - Segregation evidence for this variant is inconclusive. This variant segregated within a family with DCM, but was also observed in at least five relatives who were unaffected (PMID: 26899768). (I) 1007 - No published functional evidence has been identified for this variant. (I) 1208 - Inheritance information for this variant is not currently available in this individual. (I) Legend: (SP) - Supporting pathogenic, (I) - Information, (SB) - Supporting benign

Literature cited by the submitters: PubMed 26899768 (cited by 6 submitters); PubMed 31514951 (cited by 6 submitters); PubMed 29892087 (cited by 4 submitters); PubMed 31983221 (cited by 3 submitters); PubMed 36008935 (cited by Molecular Genetics, Royal Melbourne Hospital); PubMed 37652022 (cited by Molecular Genetics, Royal Melbourne Hospital); PubMed 29773157 (cited by Ambry Genetics); PubMed 18612386 (cited by Victorian Clinical Genetics Services, Murdoch Childrens Research Institute); PubMed 32098556 (cited by Victorian Clinical Genetics Services, Murdoch Childrens Research Institute); PubMed 33025817 (cited by Victorian Clinical Genetics Services, Murdoch Childrens Research Institute).